The following is an entry in ClinVar:

NM_020791.4(TAOK1):c.1694A>C (p.Gln565Pro)

Gene: TAOK1 (TAO kinase 1; plus strand). Cytogenetic location: 17q11.2.
Variant type: single nucleotide variant.
Coding change: c.1694A>C on transcript NM_020791.4 (MANE Select); coding-DNA position 1694, A replaced by C.
Protein change: p.Gln565Pro; replaces glutamine 565 with proline.
Molecular consequence: missense variant.
Genome position (GRCh38, 1-based): chr17:29,510,982, A>C. VCF-style: chr17-29510982-A-C. GRCh37 (hg19) VCF-style: chr17-27838000-A-C.
Other names: c.1694A>C, p.Gln565Pro (NM_025142.1); short protein forms Q565P.
Identifiers: ClinVar variation 4975427 (VCV004975427.1).

ClinVar aggregate classification (germline): Uncertain significance (1 of 4 stars; one submission).

Submission:

GeneDx
Classification: Uncertain significance. Last evaluated: 2026-02-02. Review status: criteria provided, single submitter. Criteria: GeneDx Variant Classification Process June 2021. Collection method: clinical testing. Allele origin: germline.
Comment: Not observed at significant frequency in large population cohorts (gnomAD); In silico analysis supports that this missense variant has a deleterious effect on protein structure/function; Has not been previously published as pathogenic or benign to our knowledge